The following is an entry in ClinVar:

NM_007294.4(BRCA1):c.821G>A (p.Cys274Tyr)

Gene: BRCA1 (BRCA1 DNA repair associated; minus strand). Cytogenetic location: 17q21.31.
Variant type: single nucleotide variant.
Coding change: c.821G>A on transcript NM_007294.4 (MANE Select); coding-DNA position 821, G replaced by A.
Protein change: p.Cys274Tyr; replaces cysteine 274 with tyrosine.
Molecular consequence: missense variant. On other transcripts: 5 prime UTR variant (2), intron variant (137).
Genome position (GRCh38, 1-based): chr17:43,094,710, C>T on the plus strand (G>A on the coding strand, the complement: BRCA1 is on the minus strand). VCF-style: chr17-43094710-C-T. GRCh37 (hg19) VCF-style: chr17-41246727-C-T.
Other names: c.608G>A, p.Cys203Tyr (NM_001407571.1, NM_001407853.1, NM_001407894.1 and 9 more transcripts); c.821G>A, p.Cys274Tyr (NM_001407581.1, NM_001407582.1, NM_001407583.1 and 30 more transcripts); c.818G>A, p.Cys273Tyr (NM_001407587.1, NM_001407590.1, NM_001407591.1 and 22 more transcripts); c.812G>A, p.Cys271Tyr (NM_001407646.1, NM_001407647.1); c.698G>A, p.Cys233Tyr (NM_001407648.1, NM_001407664.1, NM_001407665.1 and 19 more transcripts); c.695G>A, p.Cys232Tyr (NM_001407649.1, NM_001407670.1, NM_001407671.1 and 11 more transcripts); c.743G>A, p.Cys248Tyr (NM_001407653.1, NM_001407654.1, NM_001407655.1 and 4 more transcripts); c.740G>A, p.Cys247Tyr (NM_001407659.1, NM_001407660.1, NM_001407661.1 and 1 more transcripts); and 40 more; short protein forms C227Y, C274Y, C106Y, C147Y, C226Y, C247Y, C271Y, C163Y.
Identifiers: ClinVar variation 664275 (VCV000664275.15), dbSNP rs1597879808, ClinGen allele CA10600441.

ClinVar aggregate classification (germline): Conflicting classifications of pathogenicity. Review status: criteria provided, conflicting classifications (1 of 4 stars). 3 submissions from 3 submitters: Uncertain significance (2); Likely benign (1). Last evaluated 2025-09-19.

Conditions:
Hereditary cancer-predisposing syndrome. Also called: Tumor predisposition; Hereditary neoplastic syndrome; Neoplastic Syndromes, Hereditary; Hereditary Cancer Syndrome. Identifiers: Orphanet 140162, MedGen C0027672, MeSH D009386, MONDO:0015356.
Hereditary breast ovarian cancer syndrome. Also called: BRCA1- and BRCA2-Associated Hereditary Breast and Ovarian Cancer; Breast and ovarian cancer; Hereditary breast and ovarian cancer syndrome (HBOC); Hereditary breast and ovarian cancer; Hereditary breast and ovarian cancer syndrome; Hereditary breast and/or ovarian cancer syndrome. Identifiers: Orphanet 145, MedGen C0677776, MeSH D061325, MONDO:0003582. Disease mechanism: loss of function.

Submissions (3):

Labcorp Genetics (formerly Invitae), Labcorp
Classification: Uncertain significance for Hereditary breast ovarian cancer syndrome. Last evaluated: 2025-09-19. Review status: criteria provided, single submitter. Criteria: Invitae Variant Classification Sherloc (09022015). Collection method: clinical testing. Allele origin: germline.
Comment: This sequence change replaces cysteine, which is neutral and slightly polar, with tyrosine, which is neutral and polar, at codon 274 of the BRCA1 protein (p.Cys274Tyr). This variant is not present in population databases (gnomAD no frequency). This variant has not been reported in the literature in individuals affected with BRCA1-related conditions. ClinVar contains an entry for this variant (Variation ID: 664275). Invitae Evidence Modeling of protein sequence and biophysical properties (such as structural, functional, and spatial information, amino acid conservation, physicochemical variation, residue mobility, and thermodynamic stability) indicates that this missense variant is expected to disrupt BRCA1 protein function with a positive predictive value of 80%. In summary, the available evidence is currently insufficient to determine the role of this variant in disease. Therefore, it has been classified as a Variant of Uncertain Significance.

Ambry Genetics
Classification: Uncertain significance for Hereditary cancer-predisposing syndrome. Last evaluated: 2025-08-11. Review status: criteria provided, single submitter. Criteria: Ambry Variant Classification Scheme 2023. Collection method: clinical testing. Allele origin: germline.
Comment: The p.C274Y variant (also known as c.821G>A), located in coding exon 9 of the BRCA1 gene, results from a G to A substitution at nucleotide position 821. The cysteine at codon 274 is replaced by tyrosine, an amino acid with highly dissimilar properties. This amino acid position is well conserved in available vertebrate species. In addition, this alteration is predicted to be deleterious by in silico analysis. Since supporting evidence is limited at this time, the clinical significance of this alteration remains unclear.

University of Washington Department of Laboratory Medicine, University of Washington
Classification: Likely benign for Hereditary cancer-predisposing syndrome. Last evaluated: 2023-03-23. Review status: criteria provided, single submitter. Criteria: Dines et al. (Genet Med. 2020). Collection method: curation. Allele origin: germline.
Comment: Missense variant in a coldspot region where missense variants are very unlikely to be pathogenic (PMID:31911673).

BRCA1 coldspot (exon 11 using historical exon numbering). Reclassification based on statistical prior probability